The following is an entry in ClinVar:

ClinVar aggregate classification (germline): Uncertain significance (1 of 4 stars; one submission).

Conditions:
Ehlers-Danlos syndrome, classic type, 1 (EDSCL1). Also called: EHLERS-DANLOS SYNDROME, GRAVIS TYPE; EHLERS-DANLOS SYNDROME, SEVERE CLASSIC TYPE; Ehlers-Danlos syndrome, type 1; Ehlers-Danlos Syndrome, Classic Type, COL5A1-Related; EDS I. Identifiers: MedGen C0268335, MONDO:0019567, OMIM 130000.

Submission:

Labcorp Genetics (formerly Invitae), Labcorp
Classification: Uncertain significance for Ehlers-Danlos syndrome, classic type, 1. Last evaluated: 2023-01-27. Review status: criteria provided, single submitter. Criteria: Invitae Variant Classification Sherloc (09022015). Collection method: clinical testing. Allele origin: germline.
Comment: Advanced modeling of protein sequence and biophysical properties (such as structural, functional, and spatial information, amino acid conservation, physicochemical variation, residue mobility, and thermodynamic stability) performed at Invitae indicates that this missense variant is expected to disrupt COL5A2 protein function. This variant has not been reported in the literature in individuals affected with COL5A2-related conditions. This variant is not present in population databases (gnomAD no frequency). This sequence change replaces glycine, which is neutral and non-polar, with aspartic acid, which is acidic and polar, at codon 309 of the COL5A2 protein (p.Gly309Asp). In summary, the available evidence is currently insufficient to determine the role of this variant in disease. Therefore, it has been classified as a Variant of Uncertain Significance.

NM_000393.5(COL5A2):c.926G>A (p.Gly309Asp)

Gene: COL5A2 (collagen type V alpha 2 chain; minus strand). Cytogenetic location: 2q32.2.
Variant type: single nucleotide variant.
Coding change: c.926G>A on transcript NM_000393.5 (MANE Select); coding-DNA position 926, G replaced by A.
Protein change: p.Gly309Asp; replaces glycine 309 with aspartic acid.
Molecular consequence: missense variant.
Genome position (GRCh38, 1-based): chr2:189,080,012, C>T on the plus strand (G>A on the coding strand, the complement: COL5A2 is on the minus strand). VCF-style: chr2-189080012-C-T. GRCh37 (hg19) VCF-style: chr2-189944738-C-T.
Other names: short protein forms G309D.
Identifiers: ClinVar variation 2826142 (VCV002826142.3), dbSNP rs2469342915, ClinGen allele CA349856629.